The following is an entry in ClinVar:

NM_006231.4(POLE):c.3308C>A (p.Pro1103His)

Gene: POLE (DNA polymerase epsilon, catalytic subunit; minus strand). Cytogenetic location: 12q24.33.
Variant type: single nucleotide variant.
Coding change: c.3308C>A on transcript NM_006231.4 (MANE Select); coding-DNA position 3308, C replaced by A.
Protein change: p.Pro1103His; replaces proline 1103 with histidine.
Molecular consequence: missense variant.
Genome position (GRCh38, 1-based): chr12:132,657,938, G>T on the plus strand (C>A on the coding strand, the complement: POLE is on the minus strand). VCF-style: chr12-132657938-G-T. GRCh37 (hg19) VCF-style: chr12-133234524-G-T.
Other names: short protein forms P1103H.
Identifiers: ClinVar variation 473584 (VCV000473584.12), dbSNP rs759126051, ClinGen allele CA6893284.
Genomic context (GRCh38, chr12:132,657,938, plus strand): 5'-TCAAAGTCTTGAAGGGAAGAGCTCTTGAGCCATTTCCGGAGAAAGTGCTTCCTCACCGTG[G>T]GCTCTGCTTGGAAAATGGCAAGTGGGATGGCCCTGGGTAAGGAAGACAGGCACACAGCTC-3'
Protein context (NP_006222.2, residues 1093-1113): AIPLAIFQAE[Pro1103His]TVRKHFLRKW

ClinVar aggregate classification (germline): Conflicting classifications of pathogenicity. Review status: criteria provided, conflicting classifications (1 of 4 stars). 3 submissions from 3 submitters: Uncertain significance (2); Likely benign (1). Last evaluated 2026-01-18.

Conditions:
Hereditary cancer-predisposing syndrome. Also called: Neoplastic Syndromes, Hereditary; Tumor predisposition; Hereditary Cancer Syndrome; Hereditary neoplastic syndrome. Identifiers: Orphanet 140162, MedGen C0027672, MeSH D009386, MONDO:0015356.

Allele frequency attached by ClinVar (database versions not stated): gnomAD 0.00001; gnomAD exomes 0.00001 and 0.00002; TOPMed 0.00002; ExAC 0.00004.
gnomAD v4.1: 13 of 1,613,896 alleles (0.00081%); highest among the groups gnomAD compares: African/African-American, 0.0013%; no homozygotes.

Submissions (3):

Labcorp Genetics (formerly Invitae), Labcorp
Classification: Uncertain significance. Last evaluated: 2026-01-18. Review status: criteria provided, single submitter. Criteria: Invitae Variant Classification Sherloc (09022015). Collection method: clinical testing. Allele origin: germline.
Comment: This sequence change replaces proline, which is neutral and non-polar, with histidine, which is basic and polar, at codon 1103 of the POLE protein (p.Pro1103His). This variant is present in population databases (rs759126051, gnomAD 0.004%). This variant has not been reported in the literature in individuals affected with POLE-related conditions. ClinVar contains an entry for this variant (Variation ID: 473584). Invitae Evidence Modeling of protein sequence and biophysical properties (such as structural, functional, and spatial information, amino acid conservation, physicochemical variation, residue mobility, and thermodynamic stability) indicates that this missense variant is not expected to disrupt POLE protein function with a negative predictive value of 80%. In summary, the available evidence is currently insufficient to determine the role of this variant in disease. Therefore, it has been classified as a Variant of Uncertain Significance.

Center for Genomic Medicine, Rigshospitalet, Copenhagen University Hospital
Classification: Uncertain significance. Last evaluated: 2025-03-04. Review status: criteria provided, single submitter. Criteria: ACMG Guidelines, 2015. Collection method: clinical testing. Allele origin: germline.

Ambry Genetics
Classification: Likely benign for Hereditary cancer-predisposing syndrome. Last evaluated: 2025-01-07. Review status: criteria provided, single submitter. Criteria: Ambry Variant Classification Scheme 2023. Collection method: clinical testing. Allele origin: germline.